The following is an entry in ClinVar:

NM_005535.3(IL12RB1):c.261C>T (p.Cys87=)

Gene: IL12RB1 (interleukin 12 receptor subunit beta 1; minus strand). Cytogenetic location: 19p13.11.
Variant type: single nucleotide variant.
Coding change: c.261C>T on transcript NM_005535.3 (MANE Select); coding-DNA position 261, C replaced by T.
Protein change: p.Cys87=; no amino-acid change (cysteine 87 retained).
Molecular consequence: synonymous variant.
Genome position (GRCh38, 1-based): chr19:18,080,980, G>A on the plus strand (C>T on the coding strand, the complement: IL12RB1 is on the minus strand). VCF-style: chr19-18080980-G-A. GRCh37 (hg19) VCF-style: chr19-18191790-G-A.
Other names: c.261C>T, p.Cys87= (NM_001290023.2, NM_153701.3); c.381C>T, p.Cys127= (NM_001290024.2).
Identifiers: ClinVar variation 541822 (VCV000541822.52), dbSNP rs373545812, ClinGen allele CA9305273.

ClinVar aggregate classification (germline): Conflicting classifications of pathogenicity. Review status: criteria provided, conflicting classifications (1 of 4 stars). 5 submissions from 5 submitters: Uncertain significance (1); Likely benign (3). 1 of the submissions does not count toward it. Last evaluated 2026-07-01.

Conditions:
Mendelian susceptibility to mycobacterial diseases due to complete IL12RB1 deficiency. Also called: IL12RB1 DEFICIENCY; Immunodeficiency 30. Identifiers: Orphanet 319552, MedGen C4013949, MONDO:0013955, OMIM 614891.
IL12RB1-related disorder. Also called: IL12RB1-related condition.

Allele frequency attached by ClinVar (database versions not stated): ExAC 0.00030; gnomAD exomes 0.00032 and 0.00035; ESP Exome Variant Server 0.00015; gnomAD 0.00027 and 0.00037; TOPMed 0.00048.
gnomAD v4.1: 519 of 1,613,070 alleles (0.032%); highest among the groups gnomAD compares: Non-Finnish European, 0.038%; 2 homozygotes.

Submissions (5):

CeGaT Center for Human Genetics Tuebingen
Classification: Likely benign. Last evaluated: 2026-07-01. Review status: criteria provided, single submitter. Criteria: CeGaT Center For Human Genetics Tuebingen Variant Classification Criteria Version 2. Collection method: clinical testing. Allele origin: germline. Affected: yes. Observed: 2 variant alleles.
Comment: IL12RB1: BP4, BP7

Labcorp Genetics (formerly Invitae), Labcorp
Classification: Likely benign for Mendelian susceptibility to mycobacterial diseases due to complete IL12RB1 deficiency. Last evaluated: 2026-01-12. Review status: criteria provided, single submitter. Criteria: Invitae Variant Classification Sherloc (09022015). Collection method: clinical testing. Allele origin: germline.

Blueprint Genetics
Classification: Likely benign. Last evaluated: 2024-10-28. Review status: criteria provided, single submitter. Criteria: ACMG Guidelines, 2015. Collection method: clinical testing. Allele origin: germline.

Illumina Laboratory Services, Illumina
Classification: Uncertain significance for Mendelian susceptibility to mycobacterial diseases due to complete IL12RB1 deficiency. Last evaluated: 2018-01-13. Review status: criteria provided, single submitter. Criteria: ICSL Variant Classification Criteria 13 December 2019. Collection method: clinical testing. Allele origin: germline.

PreventionGenetics, part of Exact Sciences
Classification: Likely benign for IL12RB1-related condition. Last evaluated: 2019-02-27. Review status: no assertion criteria provided. Collection method: clinical testing. Allele origin: germline. Not counted in ClinVar's aggregate classification.
Comment: This variant is classified as likely benign based on ACMG/AMP sequence variant interpretation guidelines (Richards et al. 2015 PMID: 25741868, with internal and published modifications).